The following is an entry in ClinVar:

ClinVar aggregate classification (germline): Uncertain significance. Review status: criteria provided, multiple submitters, no conflicts (2 of 4 stars). 2 submissions from 2 submitters: Uncertain significance (2). Last evaluated 2024-07-15.

Conditions:
Perlman syndrome (PRLMNS). Identifiers: Orphanet 2849, MedGen C0796113, MONDO:0009965, OMIM 267000.

Allele frequency attached by ClinVar (database versions not stated): gnomAD 0.00001; gnomAD exomes 0.00001; TOPMed 0.00001.
gnomAD v4.1: 19 of 1,614,024 alleles (0.0012%); highest among the groups gnomAD compares: East Asian, 0.0067%; no homozygotes.

Submissions (2):

Labcorp Genetics (formerly Invitae), Labcorp
Classification: Uncertain significance for Perlman syndrome. Last evaluated: 2024-07-15. Review status: criteria provided, single submitter. Criteria: Invitae Variant Classification Sherloc (09022015). Collection method: clinical testing. Allele origin: germline.
Comment: This sequence change replaces arginine, which is basic and polar, with histidine, which is basic and polar, at codon 543 of the DIS3L2 protein (p.Arg543His). This variant is present in population databases (no rsID available, gnomAD 0.006%). This variant has not been reported in the literature in individuals affected with DIS3L2-related conditions. ClinVar contains an entry for this variant (Variation ID: 531910). Advanced modeling of protein sequence and biophysical properties (such as structural, functional, and spatial information, amino acid conservation, physicochemical variation, residue mobility, and thermodynamic stability) performed at Invitae indicates that this missense variant is expected to disrupt DIS3L2 protein function with a positive predictive value of 80%. In summary, the available evidence is currently insufficient to determine the role of this variant in disease. Therefore, it has been classified as a Variant of Uncertain Significance.

Fulgent Genetics
Classification: Uncertain significance for Perlman syndrome. Last evaluated: 2018-10-31. Review status: criteria provided, single submitter. Criteria: ACMG Guidelines, 2015. Collection method: clinical testing. Allele origin: unknown.

NM_152383.5(DIS3L2):c.1628G>A (p.Arg543His)

Gene: DIS3L2 (DIS3 like 3'-5' exoribonuclease 2; plus strand). Cytogenetic location: 2q37.1.
Variant type: single nucleotide variant.
Coding change: c.1628G>A on transcript NM_152383.5 (MANE Select); coding-DNA position 1628, G replaced by A.
Protein change: p.Arg543His; replaces arginine 543 with histidine.
Molecular consequence: missense variant. On other transcripts: non-coding transcript variant (2), intron variant (1).
Genome position (GRCh38, 1-based): chr2:232,263,409, G>A. VCF-style: chr2-232263409-G-A. GRCh37 (hg19) VCF-style: chr2-233128119-G-A.
Other names: c.1581+47G>A (NM_001257281.2); short protein forms R543H.
Identifiers: ClinVar variation 531910 (VCV000531910.9), dbSNP rs1018058365, ClinGen allele CA66901598.